The following is an entry in ClinVar:

NM_144966.5(FREM1):c.*985T>G

Gene: FREM1 (FRAS1 related extracellular matrix 1; minus strand). Cytogenetic location: 9p22.3.
Variant type: single nucleotide variant.
Coding change: c.*985T>G on transcript NM_144966.5; 985 bases downstream of the stop codon, T replaced by G.
Genome position (GRCh38, 1-based): chr9:14,736,411, A>C on the plus strand (T>G on the coding strand, the complement: FREM1 is on the minus strand). VCF-style: chr9-14736411-A-C. GRCh37 (hg19) VCF-style: chr9-14736409-A-C.
Identifiers: ClinVar variation 366085 (VCV000366085.8), dbSNP rs77341363, ClinGen allele CA10633168.

ClinVar aggregate classification (germline): Benign. Review status: criteria provided, multiple submitters, no conflicts (2 of 4 stars). 2 submissions from 2 submitters: Benign (2). Last evaluated 2018-01-12.

Conditions:
Oculotrichoanal syndrome (MOTA). Also called: MARLES SYNDROME; Manitoba Oculotrichoanal (MOTA) Syndrome. Identifiers: Orphanet 2717, MedGen C1855425, MONDO:0009560, OMIM 248450.

Allele frequency attached by ClinVar (database versions not stated): 1000 Genomes Project 30x 0.05528; TOPMed 0.10169; gnomAD 0.10783 and 0.10581; 1000 Genomes Project 0.05571.

Submissions (2):

Illumina Laboratory Services, Illumina
Classification: Benign for Oculotrichoanal syndrome. Last evaluated: 2018-01-12. Review status: criteria provided, single submitter. Criteria: ICSL Variant Classification Criteria 13 December 2019. Collection method: clinical testing. Allele origin: germline.
Comment: This variant was observed in the ICSL laboratory as part of a predisposition screen in an ostensibly healthy population. It had not been previously curated by ICSL or reported in the Human Gene Mutation Database (HGMD: prior to June 1st, 2018), and was therefore a candidate for classification through an automated scoring system. Utilizing variant allele frequency, disease prevalence and penetrance estimates, and inheritance mode, an automated score was calculated to assess if this variant is too frequent to cause the disease. Based on the score and internal cut-off values, a variant classified as benign is not then subjected to further curation. The score for this variant resulted in a classification of benign for this disease.

Breakthrough Genomics
Classification: Benign. Review status: criteria provided, single submitter. Criteria: ACMG Guidelines, 2015. Collection method: not provided. Allele origin: germline. Inheritance: Autosomal recessive inheritance. Affected: yes.